The following is an entry in ClinVar:

ClinVar aggregate classification (germline): Uncertain significance (1 of 4 stars; one submission).

Conditions:
Neuronal ceroid lipofuscinosis. Also called: Neuronal Ceroid Lipofuscinoses. Identifiers: Orphanet 216, Orphanet 79263, MedGen C0027877, MONDO:0016295. Disease mechanism: loss of function.

Allele frequency attached by ClinVar (database versions not stated): TOPMed below 0.00001.

Submission:

Labcorp Genetics (formerly Invitae), Labcorp
Classification: Uncertain significance for Neuronal ceroid lipofuscinosis. Last evaluated: 2018-10-20. Review status: criteria provided, single submitter. Criteria: Invitae Variant Classification Sherloc (09022015). Collection method: clinical testing. Allele origin: germline.
Comment: This sequence change replaces isoleucine with methionine at codon 47 of the CTSD protein (p.Ile47Met). The isoleucine residue is moderately conserved and there is a small physicochemical difference between isoleucine and methionine. This variant is not present in population databases (ExAC no frequency). This variant has not been reported in the literature in individuals with CTSD-related disease. Algorithms developed to predict the effect of missense changes on protein structure and function are either unavailable or do not agree on the potential impact of this missense change (SIFT: "Tolerated"; PolyPhen-2: "Possibly Damaging"; Align-GVGD: "Class C0"). In summary, the available evidence is currently insufficient to determine the role of this variant in disease. Therefore, it has been classified as a Variant of Uncertain Significance.

NM_001909.5(CTSD):c.141T>G (p.Ile47Met)

Genes: PRADX (PRC2 and DDX5 associated lncRNA; plus strand), CTSD (cathepsin D; minus strand). Cytogenetic location: 11p15.5.
Variant type: single nucleotide variant.
Coding change: c.141T>G on transcript NM_001909.5 (MANE Select); coding-DNA position 141, T replaced by G.
Protein change: p.Ile47Met; replaces isoleucine 47 with methionine.
Molecular consequence: missense variant.
Genome position (GRCh38, 1-based): chr11:1,761,396, A>C on the plus strand (T>G on the coding strand, the complement: CTSD is on the minus strand). VCF-style: chr11-1761396-A-C. GRCh37 (hg19) VCF-style: chr11-1782626-A-C.
Other names: short protein forms I47M.
Identifiers: ClinVar variation 641902 (VCV000641902.1), dbSNP rs545927559, ClinGen allele CA379099770.
Genomic context (GRCh38, chr11:1,761,396, plus strand): 5'-AATGGGCCCCTCGGTCACGGCTGGCACCGCCTGGGAGTACTTTGAGACGGGGCCTTTGGC[A>C]ATCAGGTCCTCCACAGAGCCCCCAACCTCCGACATGGTCCGGCGGATGGACGTGAACTTG-3'
Protein context (NP_001900.1, residues 37-57): SEVGGSVEDL[Ile47Met]AKGPVSKYSQ